The following is an entry in ClinVar:

NM_015450.3(POT1):c.1819A>G (p.Ile607Val)

Gene: POT1 (protection of telomeres 1; minus strand). Cytogenetic location: 7q31.33.
Variant type: single nucleotide variant.
Coding change: c.1819A>G on transcript NM_015450.3 (MANE Select); coding-DNA position 1819, A replaced by G.
Protein change: p.Ile607Val; replaces isoleucine 607 with valine.
Molecular consequence: missense variant. On other transcripts: non-coding transcript variant (3).
Genome position (GRCh38, 1-based): chr7:124,824,048, T>C on the plus strand (A>G on the coding strand, the complement: POT1 is on the minus strand). VCF-style: chr7-124824048-T-C. GRCh37 (hg19) VCF-style: chr7-124464102-T-C.
Other names: c.1426A>G, p.Ile476Val (NM_001042594.2); short protein forms I607V, I476V.
Identifiers: ClinVar variation 541862 (VCV000541862.13), dbSNP rs1554414706, ClinGen allele CA369061244.

ClinVar aggregate classification (germline): Uncertain significance. Review status: criteria provided, multiple submitters, no conflicts (2 of 4 stars). 2 submissions from 2 submitters: Uncertain significance (2). Last evaluated 2025-08-15.

Conditions:
Tumor predisposition syndrome 3 (TPDS3). Also called: Glioma susceptibility 9; LONG TELOMERE SYNDROME, POT1-RELATED; POT1 Tumor Predisposition; Melanoma, cutaneous malignant, susceptibility to, 10. Identifiers: Orphanet 618, MedGen C4014476, MONDO:0014368, OMIM 615848.
Hereditary cancer-predisposing syndrome. Also called: Hereditary Cancer Syndrome; Neoplastic Syndromes, Hereditary; Hereditary neoplastic syndrome; Tumor predisposition. Identifiers: Orphanet 140162, MedGen C0027672, MeSH D009386, MONDO:0015356.

Submissions (2):

Ambry Genetics
Classification: Uncertain significance for Hereditary cancer-predisposing syndrome. Last evaluated: 2025-08-15. Review status: criteria provided, single submitter. Criteria: Ambry Variant Classification Scheme 2023. Collection method: clinical testing. Allele origin: germline.
Comment: The p.I607V variant (also known as c.1819A>G), located in coding exon 15 of the POT1 gene, results from an A to G substitution at nucleotide position 1819. The isoleucine at codon 607 is replaced by valine, an amino acid with highly similar properties. This amino acid position is conserved. In addition, this alteration is predicted to be tolerated by in silico analysis. Since supporting evidence is limited at this time, the clinical significance of this alteration remains unclear.

Labcorp Genetics (formerly Invitae), Labcorp
Classification: Uncertain significance for Tumor predisposition syndrome 3. Last evaluated: 2025-01-26. Review status: criteria provided, single submitter. Criteria: Invitae Variant Classification Sherloc (09022015). Collection method: clinical testing. Allele origin: germline.
Comment: This sequence change replaces isoleucine, which is neutral and non-polar, with valine, which is neutral and non-polar, at codon 607 of the POT1 protein (p.Ile607Val). This variant is not present in population databases (gnomAD no frequency). This variant has not been reported in the literature in individuals affected with POT1-related conditions. ClinVar contains an entry for this variant (Variation ID: 541862). Invitae Evidence Modeling of protein sequence and biophysical properties (such as structural, functional, and spatial information, amino acid conservation, physicochemical variation, residue mobility, and thermodynamic stability) indicates that this missense variant is not expected to disrupt POT1 protein function with a negative predictive value of 80%. In summary, the available evidence is currently insufficient to determine the role of this variant in disease. Therefore, it has been classified as a Variant of Uncertain Significance.